The following is an entry in ClinVar:

NM_004525.3(LRP2):c.10768G>A (p.Glu3590Lys)

Gene: LRP2 (LDL receptor related protein 2; minus strand). Cytogenetic location: 2q31.1.
Variant type: single nucleotide variant.
Coding change: c.10768G>A on transcript NM_004525.3 (MANE Select); coding-DNA position 10768, G replaced by A.
Protein change: p.Glu3590Lys; replaces glutamic acid 3590 with lysine.
Molecular consequence: missense variant.
Genome position (GRCh38, 1-based): chr2:169,175,193, C>T on the plus strand (G>A on the coding strand, the complement: LRP2 is on the minus strand). VCF-style: chr2-169175193-C-T. GRCh37 (hg19) VCF-style: chr2-170031703-C-T.
Other names: short protein forms E3590K.
Identifiers: ClinVar variation 1375370 (VCV001375370.6), dbSNP rs1412113808, ClinGen allele CA349146271.

ClinVar aggregate classification (germline): Uncertain significance. Review status: criteria provided, multiple submitters, no conflicts (2 of 4 stars). 2 submissions from 2 submitters: Uncertain significance (2). Last evaluated 2023-11-28.

Conditions:
Donnai-Barrow syndrome. Also called: DBS/FOAR SYNDROME; FACIOOCULOACOUSTICORENAL SYNDROME. Identifiers: Orphanet 2143, MedGen C1857277, MONDO:0009104, OMIM 222448.

Allele frequency attached by ClinVar (database versions not stated): gnomAD exomes below 0.00001; gnomAD 0.00001.
gnomAD v4.1: 1 of 1,614,014 alleles (0.000062%); highest among the groups gnomAD compares: African/African-American, 0.0013%; no homozygotes.

Submissions (2):

Labcorp Genetics (formerly Invitae), Labcorp
Classification: Uncertain significance. Last evaluated: 2023-11-28. Review status: criteria provided, single submitter. Criteria: Invitae Variant Classification Sherloc (09022015). Collection method: clinical testing. Allele origin: germline.
Comment: This sequence change replaces glutamic acid, which is acidic and polar, with lysine, which is basic and polar, at codon 3590 of the LRP2 protein (p.Glu3590Lys). This variant also falls at the last nucleotide of exon 55, which is part of the consensus splice site for this exon. This variant is not present in population databases (gnomAD no frequency). This variant has not been reported in the literature in individuals affected with LRP2-related conditions. ClinVar contains an entry for this variant (Variation ID: 1375370). An algorithm developed to predict the effect of missense changes on protein structure and function (PolyPhen-2) suggests that this variant¬†is likely to be tolerated. Variants that disrupt the consensus splice site are a relatively common cause of aberrant splicing (PMID: 17576681, 9536098). Algorithms developed to predict the effect of sequence changes on RNA splicing suggest that this variant may disrupt the consensus splice site. In summary, the available evidence is currently insufficient to determine the role of this variant in disease. Therefore, it has been classified as a Variant of Uncertain Significance.

Fulgent Genetics
Classification: Uncertain significance for Donnai-Barrow syndrome. Last evaluated: 2021-07-26. Review status: criteria provided, single submitter. Criteria: ACMG Guidelines, 2015. Collection method: clinical testing. Allele origin: unknown.

Literature cited by the submitters: PubMed 17576681 (cited by Labcorp Genetics (formerly Invitae), Labcorp); PubMed 9536098 (cited by Labcorp Genetics (formerly Invitae), Labcorp).